The following is an entry in ClinVar:

NM_178857.6(RP1L1):c.1394C>T (p.Ser465Leu)

Gene: RP1L1 (RP1 like 1). Cytogenetic location: 8p23.1.
Variant type: single nucleotide variant.
Coding change: c.1394C>T on transcript NM_178857.6 (MANE Select); coding-DNA position 1394, C replaced by T.
Protein change: p.Ser465Leu; replaces serine 465 with leucine.
Molecular consequence: missense variant.
Genome position (GRCh38, 1-based): chr8:10,612,704, G>A on the plus strand (C>T on the coding strand, the complement: RP1L1 is on the minus strand). VCF-style: chr8-10612704-G-A. GRCh37 (hg19) VCF-style: chr8-10470214-G-A.
Other names: c.1394C>T (NM_178857.5); short protein forms S465L.
Identifiers: ClinVar variation 916492 (VCV000916492.44), dbSNP rs772280379, ClinGen allele CA4625191.

ClinVar aggregate classification (germline): Uncertain significance. Review status: criteria provided, multiple submitters, no conflicts (2 of 4 stars). 4 submissions from 4 submitters: Uncertain significance (4). Last evaluated 2025-10-18.

Conditions:
RP1L1-related disorder. Also called: RP1L1-related condition.
Inborn genetic diseases. Identifiers: MedGen C0950123, MeSH D030342.

Allele frequency attached by ClinVar (database versions not stated): ExAC 0.00005; gnomAD exomes 0.00005; gnomAD 0.00006 and 0.00007; TOPMed 0.00006.
gnomAD v4.1: 59 of 1,604,142 alleles (0.0037%); highest among the groups gnomAD compares: Admixed American, 0.015%; no homozygotes.

Submissions (4):

Ambry Genetics
Classification: Uncertain significance for Inborn genetic diseases. Last evaluated: 2025-10-18. Review status: criteria provided, single submitter. Criteria: Ambry Variant Classification Scheme 2023. Collection method: clinical testing. Allele origin: germline.

PreventionGenetics, part of Exact Sciences
Classification: Uncertain significance for RP1L1-related condition. Last evaluated: 2024-12-03. Review status: criteria provided, single submitter. Criteria: ACMG Guidelines, 2015. Collection method: clinical testing. Allele origin: germline.
Comment: The RP1L1 c.1394C>T variant is predicted to result in the amino acid substitution p.Ser465Leu. To our knowledge, this variant has not been reported in the literature. This variant is reported in 0.020% of alleles in individuals of Latino descent in gnomAD. At this time, the clinical significance of this variant is uncertain due to the absence of conclusive functional and genetic evidence.

Blueprint Genetics
Classification: Uncertain significance. Last evaluated: 2024-07-10. Review status: criteria provided, single submitter. Criteria: ACMG Guidelines, 2015. Collection method: clinical testing. Allele origin: germline.

CeGaT Center for Human Genetics Tuebingen
Classification: Uncertain significance. Last evaluated: 2020-02-01. Review status: criteria provided, single submitter. Criteria: CeGaT Center For Human Genetics Tuebingen Variant Classification Criteria Version 2. Collection method: clinical testing. Allele origin: germline. Affected: yes. Observed: 1 variant allele.